The following is an entry in ClinVar:

ClinVar aggregate classification (germline): Pathogenic (1 of 4 stars; one submission).

Submission:

Labcorp Genetics (formerly Invitae), Labcorp
Classification: Pathogenic. Last evaluated: 2025-11-21. Review status: criteria provided, single submitter. Criteria: Invitae Variant Classification Sherloc (09022015). Collection method: clinical testing. Allele origin: germline.
Comment: This sequence change creates a premature translational stop signal (p.Gly206Glufs*30) in the DARS2 gene. It is expected to result in an absent or disrupted protein product. Loss-of-function variants in DARS2 are known to be pathogenic (PMID: 17384640, 24566671, 40814755). This variant is not present in population databases (gnomAD no frequency). This variant has not been reported in the literature in individuals affected with DARS2-related conditions. For these reasons, this variant has been classified as Pathogenic.

Literature cited by the submitters: PubMed 17384640; PubMed 24566671; PubMed 40814755.

NC_000001.11:g.173834473_173834507del

Gene: DARS2 (aspartyl-tRNA synthetase 2, mitochondrial; plus strand). Cytogenetic location: 1q25.1.
Variant type: Deletion.
Genome position: GRCh38: chr1:173,834,473-173,834,507. GRCh37 (hg19): chr1:173,803,611-173,803,645.
Identifiers: ClinVar variation 4728270 (VCV004728270.1).
Genomic context (GRCh38, chr1:173,834,470, plus strand): 5'-GACATCATATATGACAAATTTCACATTCCTATCTACTAAGTGATAATGTTTCTCTCTTTT[TAGGGTTTGTGGATATAGAAACCCCCACATTGTTTA>T]AGAGGACCCCAGGGGTATGTATATTCCTTCAATCAGTCTATTAATAATGTCCTATTAGTT-3'